The following is an entry in ClinVar:

ClinVar aggregate classification (germline): Likely benign (1 of 4 stars; one submission).

Allele frequency attached by ClinVar (database versions not stated): gnomAD exomes below 0.00001; ExAC 0.00001; 1000 Genomes Project 30x 0.00016; 1000 Genomes Project 0.00020.
gnomAD v4.1: 2 of 1,609,572 alleles (0.00012%); highest among the groups gnomAD compares: Middle Eastern, 0.017%; no homozygotes.

Submission:

CeGaT Center for Human Genetics Tuebingen
Classification: Likely benign. Last evaluated: 2024-02-01. Review status: criteria provided, single submitter. Criteria: CeGaT Center For Human Genetics Tuebingen Variant Classification Criteria Version 2. Collection method: clinical testing. Allele origin: germline. Affected: yes. Observed: 1 variant allele.
Comment: CUX2: BP4

NM_015267.4(CUX2):c.3695C>T (p.Thr1232Ile)

Gene: CUX2 (cut like homeobox 2; plus strand). Cytogenetic location: 12q24.12.
Variant type: single nucleotide variant.
Coding change: c.3695C>T on transcript NM_015267.4 (MANE Select); coding-DNA position 3695, C replaced by T.
Protein change: p.Thr1232Ile; replaces threonine 1232 with isoleucine.
Molecular consequence: missense variant.
Genome position (GRCh38, 1-based): chr12:111,347,559, C>T. VCF-style: chr12-111347559-C-T. GRCh37 (hg19) VCF-style: chr12-111785363-C-T.
Other names: c.3509C>T, p.Thr1170Ile (NM_001370598.1); short protein forms T1170I, T1232I.
Identifiers: ClinVar variation 3027300 (VCV003027300.22), dbSNP rs200760684, ClinGen allele CA6789197.